The following is an entry in ClinVar:

ClinVar aggregate classification (germline): Uncertain significance (1 of 4 stars; one submission).

Allele frequency attached by ClinVar (database versions not stated): TOPMed 0.00002; gnomAD 0.00003.
gnomAD v4.1: 26 of 1,543,928 alleles (0.0017%); highest among the groups gnomAD compares: Non-Finnish European, 0.0022%; no homozygotes.

Submission:

Labcorp Genetics (formerly Invitae), Labcorp
Classification: Uncertain significance. Last evaluated: 2023-11-07. Review status: criteria provided, single submitter. Criteria: Invitae Variant Classification Sherloc (09022015). Collection method: clinical testing. Allele origin: germline.
Comment: This sequence change replaces methionine, which is neutral and non-polar, with leucine, which is neutral and non-polar, at codon 38 of the PDX1 protein (p.Met38Leu). This variant is present in population databases (no rsID available, gnomAD 0.01%). This variant has not been reported in the literature in individuals affected with PDX1-related conditions. Advanced modeling of protein sequence and biophysical properties (such as structural, functional, and spatial information, amino acid conservation, physicochemical variation, residue mobility, and thermodynamic stability) performed at Invitae indicates that this missense variant is not expected to disrupt PDX1 protein function with a negative predictive value of 80%. In summary, the available evidence is currently insufficient to determine the role of this variant in disease. Therefore, it has been classified as a Variant of Uncertain Significance.

NM_000209.4(PDX1):c.112A>T (p.Met38Leu)

Gene: PDX1 (pancreatic and duodenal homeobox 1; plus strand). Cytogenetic location: 13q12.2.
Variant type: single nucleotide variant.
Coding change: c.112A>T on transcript NM_000209.4 (MANE Select); coding-DNA position 112, A replaced by T.
Protein change: p.Met38Leu; replaces methionine 38 with leucine.
Molecular consequence: missense variant.
Genome position (GRCh38, 1-based): chr13:27,920,250, A>T. VCF-style: chr13-27920250-A-T. GRCh37 (hg19) VCF-style: chr13-28494387-A-T.
Other names: short protein forms M38L.
Identifiers: ClinVar variation 2906816 (VCV002906816.3), dbSNP rs1423992623, ClinGen allele CA387643871.
Genomic context (GRCh38, chr13:27,920,250, plus strand): 5'-TGCGCGTTCCAGCGAGGCCCGGCGCCGGAGTTCAGCGCCAGCCCCCCTGCGTGCCTGTAC[A>T]TGGGCCGCCAGCCCCCGCCGCCGCCGCCGCACCCGTTCCCTGGCGCCCTGGGCGCGCTGG-3'
Protein context (NP_000200.1, residues 28-48): FSASPPACLY[Met38Leu]GRQPPPPPPH